The following is an entry in ClinVar:

ClinVar aggregate classification (germline): Uncertain significance (1 of 4 stars; one submission).

Submission:

Labcorp Genetics (formerly Invitae), Labcorp
Classification: Uncertain significance. Last evaluated: 2023-03-23. Review status: criteria provided, single submitter. Criteria: Invitae Variant Classification Sherloc (09022015). Collection method: clinical testing. Allele origin: germline.
Comment: This variant results in a copy number gain of the genomic region encompassing exon(s) 8-24 of the RERE gene. This region includes the termination codon of the gene. This copy number gain extends beyond the assayed region for this gene and therefore may encompass additional genes. As the precise location of this event is unknown, it may be in tandem or it may be located elsewhere in the genome. In summary, the available evidence is currently insufficient to determine the role of this variant in disease. Therefore, it has been classified as a Variant of Uncertain Significance. Experimental studies and prediction algorithms are not available or were not evaluated, and the functional significance of this variant is currently unknown. This variant has not been reported in the literature in individuals affected with RERE-related conditions.

NC_000001.10:g.(?_7700440)_(8601397_?)dup

Genes: CAMTA1 (calmodulin binding transcription activator 1; plus strand), ERRFI1 (ERBB receptor feedback inhibitor 1; minus strand), PARK7 (Parkinsonism associated deglycase; plus strand), PER3 (period circadian regulator 3; plus strand), RERE (arginine-glutamic acid dipeptide repeats; minus strand) and 4 more. Cytogenetic location: 1p36.23.
Variant type: Duplication.
Identifiers: ClinVar variation 2425758 (VCV002425758.4).